The following is an entry in ClinVar:

ClinVar aggregate classification (germline): Uncertain significance (1 of 4 stars; one submission).

Submission:

Labcorp Genetics (formerly Invitae), Labcorp
Classification: Uncertain significance. Last evaluated: 2022-04-12. Review status: criteria provided, single submitter. Criteria: Invitae Variant Classification Sherloc (09022015). Collection method: clinical testing. Allele origin: germline.
Comment: This sequence change replaces alanine, which is neutral and non-polar, with serine, which is neutral and polar, at codon 523 of the CLCN7 protein (p.Ala523Ser). In summary, the available evidence is currently insufficient to determine the role of this variant in disease. Therefore, it has been classified as a Variant of Uncertain Significance. Advanced modeling of protein sequence and biophysical properties (such as structural, functional, and spatial information, amino acid conservation, physicochemical variation, residue mobility, and thermodynamic stability) performed at Invitae indicates that this missense variant is not expected to disrupt CLCN7 protein function. This variant has not been reported in the literature in individuals affected with CLCN7-related conditions. This variant is not present in population databases (gnomAD no frequency).

NM_001287.6(CLCN7):c.1567G>T (p.Ala523Ser)

Gene: CLCN7 (chloride voltage-gated channel 7; minus strand). Cytogenetic location: 16p13.3.
Variant type: single nucleotide variant.
Coding change: c.1567G>T on transcript NM_001287.6 (MANE Select); coding-DNA position 1567, G replaced by T.
Protein change: p.Ala523Ser; replaces alanine 523 with serine.
Molecular consequence: missense variant.
Genome position (GRCh38, 1-based): chr16:1,450,547, C>A on the plus strand (G>T on the coding strand, the complement: CLCN7 is on the minus strand). VCF-style: chr16-1450547-C-A. GRCh37 (hg19) VCF-style: chr16-1500548-C-A.
Other names: c.1495G>T, p.Ala499Ser (NM_001114331.3); short protein forms A523S, A499S.
Identifiers: ClinVar variation 2125325 (VCV002125325.4), dbSNP rs2505819309, ClinGen allele CA394187490.